The following is an entry in ClinVar:

ClinVar aggregate classification (germline): Pathogenic (1 of 4 stars; one submission).

Submission:

GeneDx
Classification: Pathogenic. Last evaluated: 2024-06-24. Review status: criteria provided, single submitter. Criteria: GeneDx Variant Classification Process June 2021. Collection method: clinical testing. Allele origin: germline. Affected: yes.
Comment: Not observed at significant frequency in large population cohorts (gnomAD); Has not been previously published as pathogenic or benign to our knowledge; Nonsense variant predicted to result in protein truncation or nonsense mediated decay in a gene for which loss of function is a known mechanism of disease

NM_001009944.3(PKD1):c.9005C>A (p.Ser3002Ter)

Gene: PKD1 (polycystin 1, transient receptor potential channel interacting; minus strand). Cytogenetic location: 16p13.3.
Variant type: single nucleotide variant.
Coding change: c.9005C>A on transcript NM_001009944.3 (MANE Select); coding-DNA position 9005, C replaced by A.
Protein change: p.Ser3002Ter; replaces serine 3002 with a stop codon.
Molecular consequence: nonsense.
Genome position (GRCh38, 1-based): chr16:2,102,577, G>T on the plus strand (C>A on the coding strand, the complement: PKD1 is on the minus strand). VCF-style: chr16-2102577-G-T. GRCh37 (hg19) VCF-style: chr16-2152578-G-T.
Other names: c.9005C>A, p.Ser3002Ter (NM_000296.4); short protein forms S3002*.
Identifiers: ClinVar variation 1707241 (VCV001707241.3), dbSNP rs1486764809, ClinGen allele CA394360949.